The following is an entry in ClinVar:

NM_052845.4(MMAB):c.422-6C>T

Gene: MMAB (metabolism of cobalamin associated B; minus strand). Cytogenetic location: 12q24.11.
Variant type: single nucleotide variant.
Coding change: c.422-6C>T on transcript NM_052845.4 (MANE Select); 6 bases into the intron before coding-DNA position 422, C replaced by T.
Molecular consequence: intron variant.
Genome position (GRCh38, 1-based): chr12:109,561,523, G>A on the plus strand (C>T on the coding strand, the complement: MMAB is on the minus strand). VCF-style: chr12-109561523-G-A. GRCh37 (hg19) VCF-style: chr12-109999328-G-A.
Identifiers: ClinVar variation 793797 (VCV000793797.11), dbSNP rs759110803, ClinGen allele CA6778898.

ClinVar aggregate classification (germline): Likely benign. Review status: criteria provided, multiple submitters, no conflicts (2 of 4 stars). 2 submissions from 2 submitters: Likely benign (2). Last evaluated 2024-11-03.

Conditions:
Methylmalonic aciduria, cblB type (MACB). Also called: Methylmalonic acidemia cblB type; METHYLMALONIC ACIDURIA, VITAMIN B12-RESPONSIVE, DUE TO DEFECT IN SYNTHESIS OF ADENOSYLCOBALAMIN, cblB TYPE; Vitamin B12-responsive methylmalonic acidemia type cblB. Identifiers: Orphanet 28, Orphanet 79311, MedGen C1855102, MONDO:0009614, OMIM 251110.
MMAB-related disorder. Also called: MMAB-related condition.

Allele frequency attached by ClinVar (database versions not stated): gnomAD 0.00001; TOPMed 0.00002; gnomAD exomes 0.00003; ExAC 0.00005.
gnomAD v4.1: 31 of 1,546,786 alleles (0.002%); highest among the groups gnomAD compares: Middle Eastern, 0.02%; no homozygotes.

Submissions (2):

PreventionGenetics, part of Exact Sciences
Classification: Likely benign for MMAB-related condition. Last evaluated: 2024-11-03. Review status: criteria provided, single submitter. Criteria: ACMG Guidelines, 2015. Collection method: clinical testing. Allele origin: germline.
Comment: This variant is classified as likely benign based on ACMG/AMP sequence variant interpretation guidelines (Richards et al. 2015 PMID: 25741868, with internal and published modifications).

Labcorp Genetics (formerly Invitae), Labcorp
Classification: Likely benign for Methylmalonic aciduria, cblB type. Last evaluated: 2024-03-14. Review status: criteria provided, single submitter. Criteria: Invitae Variant Classification Sherloc (09022015). Collection method: clinical testing. Allele origin: germline.